The following is an entry in ClinVar:

NM_000466.3(PEX1):c.3007G>A (p.Val1003Ile)

Genes: GATAD1 (GATA zinc finger domain containing 1; plus strand), PEX1 (peroxisomal biogenesis factor 1; minus strand). Cytogenetic location: 7q21.2.
Variant type: single nucleotide variant.
Coding change: c.3007G>A on transcript NM_000466.3 (MANE Select); coding-DNA position 3007, G replaced by A.
Protein change: p.Val1003Ile; replaces valine 1003 with isoleucine.
Molecular consequence: missense variant.
Genome position (GRCh38, 1-based): chr7:92,494,316, C>T on the plus strand (G>A on the coding strand, the complement: PEX1 is on the minus strand). VCF-style: chr7-92494316-C-T. GRCh37 (hg19) VCF-style: chr7-92123630-C-T.
Other names: c.2836G>A, p.Val946Ile (NM_001282677.2); c.2383G>A, p.Val795Ile (NM_001282678.2); short protein forms V1003I, V795I, V946I.
Identifiers: ClinVar variation 1392525 (VCV001392525.5), dbSNP rs147055244, ClinGen allele CA4340938.

ClinVar aggregate classification (germline): Uncertain significance (1 of 4 stars; one submission).

Conditions:
Zellweger spectrum disorders (ZS). Also called: Zellweger Spectrum Disorder (ZSD); Zellweger syndrome; Zellweger Spectrum Disorder; Zellweger Spectrum. Identifiers: Orphanet 912, MedGen C0043459, MONDO:0019609.

Allele frequency attached by ClinVar (database versions not stated): gnomAD exomes below 0.00001 and 0.00001; gnomAD 0.00001; TOPMed 0.00001; ExAC 0.00003; ESP Exome Variant Server 0.00008.
gnomAD v4.1: 5 of 1,613,540 alleles (0.00031%); highest among the groups gnomAD compares: African/African-American, 0.004%; no homozygotes.

Submission:

Labcorp Genetics (formerly Invitae), Labcorp
Classification: Uncertain significance for Zellweger spectrum disorders. Last evaluated: 2022-03-10. Review status: criteria provided, single submitter. Criteria: Invitae Variant Classification Sherloc (09022015). Collection method: clinical testing. Allele origin: germline.
Comment: This sequence change replaces valine, which is neutral and non-polar, with isoleucine, which is neutral and non-polar, at codon 1003 of the PEX1 protein (p.Val1003Ile). This variant is present in population databases (rs147055244, gnomAD 0.007%). This variant has not been reported in the literature in individuals affected with PEX1-related conditions. Algorithms developed to predict the effect of missense changes on protein structure and function (SIFT, PolyPhen-2, Align-GVGD) all suggest that this variant is likely to be tolerated. In summary, the available evidence is currently insufficient to determine the role of this variant in disease. Therefore, it has been classified as a Variant of Uncertain Significance.